The following is an entry in ClinVar:

NM_213618.2(DENND2B):c.2926C>T (p.Arg976Ter)

Gene: DENND2B (DENN domain containing 2B; minus strand). Cytogenetic location: 11p15.4.
Variant type: single nucleotide variant.
Coding change: c.2926C>T on transcript NM_213618.2 (MANE Select); coding-DNA position 2926, C replaced by T.
Protein change: p.Arg976Ter; replaces arginine 976 with a stop codon.
Molecular consequence: nonsense. On other transcripts: non-coding transcript variant (8).
Genome position (GRCh38, 1-based): chr11:8,698,947, G>A on the plus strand (C>T on the coding strand, the complement: DENND2B is on the minus strand). VCF-style: chr11-8698947-G-A. GRCh37 (hg19) VCF-style: chr11-8720494-G-A.
Other names: c.2926C>T, p.Arg976Ter (NM_001376495.1, NM_001376496.1, NM_001376497.1 and 1 more transcripts); c.2419C>T, p.Arg807Ter (NM_001376498.1); c.2386C>T, p.Arg796Ter (NM_001376499.1); c.2245C>T, p.Arg749Ter (NM_001376500.1); c.1666C>T, p.Arg556Ter (NM_001376501.1, NM_001376502.1, NM_139157.3); c.1486C>T, p.Arg496Ter (NM_001376503.1); c.1450C>T, p.Arg484Ter (NM_001376504.1); c.1342C>T, p.Arg448Ter (NM_001376505.1, NM_001376506.1); short protein forms R448*, R484*, R496*, R556*, R749*, R796*, R807*, R976*.
Identifiers: ClinVar variation 4976385 (VCV004976385.1).

ClinVar aggregate classification (germline): Uncertain significance (1 of 4 stars; one submission).

gnomAD v4.1: 1 of 1,614,120 alleles (0.000062%); highest among the groups gnomAD compares: Non-Finnish European, 0.000085%; no homozygotes.

Submission:

GeneDx
Classification: Uncertain significance. Last evaluated: 2026-02-06. Review status: criteria provided, single submitter. Criteria: GeneDx Variant Classification Process June 2021. Collection method: clinical testing. Allele origin: germline.
Comment: Not observed at significant frequency in large population cohorts (gnomAD); Nonsense variant predicted to result in protein truncation or nonsense mediated decay in a gene or region of a gene for which loss of function is not a well-established mechanism of disease; Has not been previously published as pathogenic or benign to our knowledge